The following is an entry in ClinVar:

ClinVar aggregate classification (germline): Uncertain significance (1 of 4 stars; one submission).

gnomAD v4.1: 2 of 1,613,228 alleles (0.00012%); highest among the groups gnomAD compares: Non-Finnish European, 0.00017%; no homozygotes.

Submission:

CeGaT Center for Human Genetics Tuebingen
Classification: Uncertain significance. Last evaluated: 2025-03-01. Review status: criteria provided, single submitter. Criteria: CeGaT Center For Human Genetics Tuebingen Variant Classification Criteria Version 2. Collection method: clinical testing. Allele origin: germline. Affected: yes. Observed: 1 variant allele.
Comment: ANO10: PM2, BP4

NM_018075.5(ANO10):c.443A>C (p.Gln148Pro)

Gene: ANO10 (anoctamin 10; minus strand). Cytogenetic location: 3p22.1.
Variant type: single nucleotide variant.
Coding change: c.443A>C on transcript NM_018075.5 (MANE Select); coding-DNA position 443, A replaced by C.
Protein change: p.Gln148Pro; replaces glutamine 148 with proline.
Molecular consequence: missense variant. On other transcripts: intron variant (1).
Genome position (GRCh38, 1-based): chr3:43,598,561, T>G on the plus strand (A>C on the coding strand, the complement: ANO10 is on the minus strand). VCF-style: chr3-43598561-T-G. GRCh37 (hg19) VCF-style: chr3-43640053-T-G.
Other names: c.443A>C, p.Gln148Pro (NM_001204831.3, NM_001204834.3, NM_001346463.2 and 4 more transcripts); c.245A>C, p.Gln82Pro (NM_001204832.3, NM_001346466.2, NM_001346469.2); c.139+7153A>C (NM_001204833.3); short protein forms Q148P, Q82P.
Identifiers: ClinVar variation 3777956 (VCV003777956.7).